The following is an entry in ClinVar:

NM_005097.4(LGI1):c.221T>C (p.Phe74Ser)

Gene: LGI1 (leucine rich glioma inactivated 1; plus strand). Cytogenetic location: 10q23.33.
Variant type: single nucleotide variant.
Coding change: c.221T>C on transcript NM_005097.4 (MANE Select); coding-DNA position 221, T replaced by C.
Protein change: p.Phe74Ser; replaces phenylalanine 74 with serine.
Molecular consequence: missense variant. On other transcripts: non-coding transcript variant (1).
Genome position (GRCh38, 1-based): chr10:93,758,765, T>C. VCF-style: chr10-93758765-T-C. GRCh37 (hg19) VCF-style: chr10-95518522-T-C.
Other names: c.221T>C, p.Phe74Ser (NM_001308275.2, NM_001308276.2); short protein forms F74S.
Identifiers: ClinVar variation 2779746 (VCV002779746.3), dbSNP rs2492803588, ClinGen allele CA377631941.
Genomic context (GRCh38, chr10:93,758,765, plus strand): 5'-TGTGTCTCTTTGTGTGTGTCTGTTTGTTTGTTTTCTCTTTTTTGTTTTCTTTCAGATCCT[T>C]TGTGAGATCTGGTTTTACTGAAATCTCAGAAGGGAGTTTTTTATTCACGCCATCGCTGCA-3'
Protein context (NP_005088.1, residues 64-84): TVPPDVISLS[Phe74Ser]VRSGFTEISE

ClinVar aggregate classification (germline): Uncertain significance (1 of 4 stars; one submission).

Conditions:
Autosomal dominant epilepsy with auditory features. Identifiers: Orphanet 101046, MedGen C1838062, MONDO:0010898.

Submission:

Labcorp Genetics (formerly Invitae), Labcorp
Classification: Uncertain significance for Autosomal dominant epilepsy with auditory features. Last evaluated: 2023-10-17. Review status: criteria provided, single submitter. Criteria: Invitae Variant Classification Sherloc (09022015). Collection method: clinical testing. Allele origin: germline.
Comment: This sequence change replaces phenylalanine, which is neutral and non-polar, with serine, which is neutral and polar, at codon 74 of the LGI1 protein (p.Phe74Ser). This variant is not present in population databases (gnomAD no frequency). This variant has not been reported in the literature in individuals affected with LGI1-related conditions. Advanced modeling of protein sequence and biophysical properties (such as structural, functional, and spatial information, amino acid conservation, physicochemical variation, residue mobility, and thermodynamic stability) performed at Invitae indicates that this missense variant is not expected to disrupt LGI1 protein function. In summary, the available evidence is currently insufficient to determine the role of this variant in disease. Therefore, it has been classified as a Variant of Uncertain Significance.